The following is an entry in ClinVar:

NM_014844.5(TECPR2):c.-72-211A>G

Gene: TECPR2 (tectonin beta-propeller repeat containing 2; plus strand). Cytogenetic location: 14q32.31.
Variant type: single nucleotide variant.
Coding change: c.-72-211A>G on transcript NM_014844.5 (MANE Select); 211 bases into the intron before 72 bases upstream of the start codon, A replaced by G.
Molecular consequence: intron variant.
Genome position (GRCh38, 1-based): chr14:102,376,439, A>G. VCF-style: chr14-102376439-A-G. GRCh37 (hg19) VCF-style: chr14-102842776-A-G.
Other names: c.-72-211A>G (NM_001172631.3).
Identifiers: ClinVar variation 672764 (VCV000672764.1), dbSNP rs17588387, ClinGen allele CA267056646.

ClinVar aggregate classification (germline): Likely benign (1 of 4 stars; one submission).

Allele frequency attached by ClinVar (database versions not stated): gnomAD 0.02592 and 0.02689; TOPMed 0.02631; 1000 Genomes Project 30x 0.02701; 1000 Genomes Project 0.02776.
gnomAD v4.1: 4,144 of 152,272 alleles (2.7%); highest among the groups gnomAD compares: Middle Eastern, 8.5%; 74 homozygotes.

Submission:

GeneDx
Classification: Likely benign. Last evaluated: 2018-06-14. Review status: criteria provided, single submitter. Criteria: GeneDx Variant Classification (06012015). Collection method: clinical testing. Allele origin: germline. Affected: yes.
Comment: This variant is considered likely benign or benign based on one or more of the following criteria: it is a conservative change, it occurs at a poorly conserved position in the protein, it is predicted to be benign by multiple in silico algorithms, and/or has population frequency not consistent with disease.